The following is an entry in ClinVar:

NM_004999.4(MYO6):c.1859T>A (p.Leu620Ter)

Gene: MYO6 (myosin VI; plus strand). Cytogenetic location: 6q14.1.
Variant type: single nucleotide variant.
Coding change: c.1859T>A on transcript NM_004999.4 (MANE Select); coding-DNA position 1859, T replaced by A.
Protein change: p.Leu620Ter; replaces leucine 620 with a stop codon.
Molecular consequence: nonsense. On other transcripts: non-coding transcript variant (1).
Genome position (GRCh38, 1-based): chr6:75,867,020, T>A. VCF-style: chr6-75867020-T-A. GRCh37 (hg19) VCF-style: chr6-76576737-T-A.
Other names: c.1859T>A, p.Leu620Ter (NM_001300899.2, NM_001368136.1, NM_001368137.1 and 2 more transcripts); c.1844T>A, p.Leu615Ter (NM_001368138.1); short protein forms L615*, L620*.
Identifiers: ClinVar variation 1676028 (VCV001676028.35), dbSNP rs2149312917, ClinGen allele CA364765479.

ClinVar aggregate classification (germline): Pathogenic. Review status: criteria provided, multiple submitters, no conflicts (2 of 4 stars). 2 submissions from 2 submitters: Pathogenic (2). Last evaluated 2025-01-22.

Submissions (2):

Labcorp Genetics (formerly Invitae), Labcorp
Classification: Pathogenic. Last evaluated: 2025-01-22. Review status: criteria provided, single submitter. Criteria: Invitae Variant Classification Sherloc (09022015). Collection method: clinical testing. Allele origin: germline.
Comment: This sequence change creates a premature translational stop signal (p.Leu620*) in the MYO6 gene. It is expected to result in an absent or disrupted protein product. Loss-of-function variants in MYO6 are known to be pathogenic (PMID: 12687499, 18348273, 23767834, 25999546, 30582396). This variant is not present in population databases (gnomAD no frequency). This variant has not been reported in the literature in individuals affected with MYO6-related conditions. ClinVar contains an entry for this variant (Variation ID: 1676028). For these reasons, this variant has been classified as Pathogenic.

CeGaT Center for Human Genetics Tuebingen
Classification: Pathogenic. Last evaluated: 2022-02-01. Review status: criteria provided, single submitter. Criteria: CeGaT Center For Human Genetics Tuebingen Variant Classification Criteria Version 2. Collection method: clinical testing. Allele origin: germline. Affected: yes. Observed: 1 variant allele.

Literature cited by the submitters: PubMed 12687499 (cited by Labcorp Genetics (formerly Invitae), Labcorp); PubMed 18348273 (cited by Labcorp Genetics (formerly Invitae), Labcorp); PubMed 23767834 (cited by Labcorp Genetics (formerly Invitae), Labcorp); PubMed 25999546 (cited by Labcorp Genetics (formerly Invitae), Labcorp); PubMed 30582396 (cited by Labcorp Genetics (formerly Invitae), Labcorp).